The following is an entry in ClinVar:

ClinVar aggregate classification (germline): Uncertain significance (1 of 4 stars; one submission).

Conditions:
Neurofibromatosis, type 1 (NF1). Also called: VON RECKLINGHAUSEN DISEASE; Neurofibromatosis, type I; NEUROFIBROMATOSIS, TYPE I, SOMATIC; Peripheral type neurofibromatosis. Identifiers: Orphanet 636, MedGen C0027831, MONDO:0018975, OMIM 162200. Disease mechanism: loss of function.

Submission:

Labcorp Genetics (formerly Invitae), Labcorp
Classification: Uncertain significance for Neurofibromatosis, type 1. Last evaluated: 2025-07-20. Review status: criteria provided, single submitter. Criteria: Invitae Variant Classification Sherloc (09022015). Collection method: clinical testing. Allele origin: germline.
Comment: This sequence change replaces histidine, which is basic and polar, with tyrosine, which is neutral and polar, at codon 2661 of the NF1 protein (p.His2661Tyr). This variant is not present in population databases (gnomAD no frequency). This variant has not been reported in the literature in individuals affected with NF1-related conditions. Invitae Evidence Modeling of protein sequence and biophysical properties (such as structural, functional, and spatial information, amino acid conservation, physicochemical variation, residue mobility, and thermodynamic stability) indicates that this missense variant is not expected to disrupt NF1 protein function with a negative predictive value of 95%. In summary, the available evidence is currently insufficient to determine the role of this variant in disease. Therefore, it has been classified as a Variant of Uncertain Significance.

NM_001042492.3(NF1):c.8044C>T (p.His2682Tyr)

Gene: NF1 (neurofibromin 1; plus strand). Cytogenetic location: 17q11.2.
Variant type: single nucleotide variant.
Coding change: c.8044C>T on transcript NM_001042492.3 (MANE Select); coding-DNA position 8044, C replaced by T.
Protein change: p.His2682Tyr; replaces histidine 2682 with tyrosine.
Molecular consequence: missense variant.
Genome position (GRCh38, 1-based): chr17:31,358,553, C>T. VCF-style: chr17-31358553-C-T. GRCh37 (hg19) VCF-style: chr17-29685571-C-T.
Other names: c.7981C>T, p.His2661Tyr (NM_000267.4); short protein forms H2661Y, H2682Y.
Identifiers: ClinVar variation 4800811 (VCV004800811.1).